The following is an entry in ClinVar:

ClinVar aggregate classification (germline): Pathogenic. Review status: reviewed by expert panel (3 of 4 stars). 4 submissions from 4 submitters: Pathogenic (1). 3 of the submissions do not count toward it. Last evaluated 2016-09-08.

Conditions:
Breast-ovarian cancer, familial, susceptibility to, 1 (BROVCA1). Also called: BRCA1 Hereditary Breast and Ovarian Cancer; OVARIAN CANCER, SUSCEPTIBILITY TO. Identifiers: Orphanet 145, MedGen C2676676, MONDO:0011450, OMIM 604370. Disease mechanism: loss of function.

Submissions (4):

Evidence-based Network for the Interpretation of Germline Mutant Alleles (ENIGMA)
Classification: Pathogenic for Breast-ovarian cancer, familial, susceptibility to, 1. Last evaluated: 2016-09-08. Review status: reviewed by expert panel. Criteria: ENIGMA BRCA1/2 Classification Criteria (2015). Collection method: curation. Allele origin: germline.
Comment: Variant allele predicted to encode a truncated non-functional protein.

GeneDx
Classification: Pathogenic. Last evaluated: 2019-06-17. Review status: criteria provided, single submitter. Criteria: GeneDx Variant Classification Process June 2021. Collection method: clinical testing. Allele origin: germline. Affected: yes. Not counted in ClinVar's aggregate classification.
Comment: Frameshift variant predicted to result in protein truncation or nonsense mediated decay in a gene for which loss-of-function is a known mechanism of disease; Not observed in large population cohorts (Lek et al., 2016); Reported as pathogenic in ClinVar but additional evidence is not available (ClinVar SCV000299959.2, Landrum et al., 2016); This variant is associated with the following publications: (PMID: 24797986, 26681312, 26843898, 26848529, 30702160, 31825140)

Consortium of Investigators of Modifiers of BRCA1/2 (CIMBA), c/o University of Cambridge
Classification: Pathogenic for Breast-ovarian cancer, familial, susceptibility to, 1. Last evaluated: 2015-10-02. Review status: criteria provided, single submitter. Criteria: CIMBA Mutation Classification guidelines May 2016. Collection method: clinical testing. Allele origin: germline. Not counted in ClinVar's aggregate classification.

Breast Cancer Information Core (BIC) (BRCA1)
Classification: Pathogenic for Breast-ovarian cancer, familial 1. Last evaluated: 2004-02-20. Review status: no assertion criteria provided. Collection method: clinical testing. Allele origin: germline. Affected: yes. Observed: 1 variant allele. Not counted in ClinVar's aggregate classification.

NM_007294.4(BRCA1):c.3531del (p.Phe1177fs)

Genes: BRCA1 (BRCA1 DNA repair associated; minus strand), LOC126862571 (BRD4-independent group 4 enhancer GRCh37_chr17:41243136-41244335; plus strand). Cytogenetic location: 17q21.31.
Variant type: Deletion.
Coding change: c.3531del on transcript NM_007294.4 (MANE Select); coding-DNA position 3531, one base deleted (T; older notation c.3531delT).
Protein change: p.Phe1177fs; shifts the reading frame from phenylalanine 1177.
Molecular consequence: frameshift variant. On other transcripts: intron variant (135).
Genome position (GRCh38, 1-based): chr17:43,092,000, A deleted on the plus strand (T on the coding strand, the reverse complement: BRCA1 is on the minus strand); the first of 5 consecutive A bases (chr17:43,092,000-43,092,004); deleting any one gives the same sequence. VCF-style (leftmost placement, unchanged base first): chr17-43091999-TA-T. GRCh37 (hg19) VCF-style: chr17-41244016-TA-T.
Other names: 3650delT; c.3531del, p.Phe1177fs (NM_001407594.1, NM_001407596.1, NM_001407597.1 and 30 more transcripts); c.3528del, p.Phe1176fs (NM_001407610.1, NM_001407611.1, NM_001407612.1 and 22 more transcripts); c.3522del, p.Phe1174fs (NM_001407646.1, NM_001407647.1); c.3408del, p.Phe1136fs (NM_001407648.1, NM_001407664.1, NM_001407665.1 and 19 more transcripts); c.3405del, p.Phe1135fs (NM_001407649.1, NM_001407685.1, NM_001407686.1 and 11 more transcripts); c.3450del, p.Phe1150fs (NM_001407660.1, NM_001407661.1, NM_001407662.1 and 1 more transcripts); c.3453del, p.Phe1151fs (NM_001407663.1, NM_001407653.1, NM_001407654.1 and 4 more transcripts); and 43 more; short protein forms F1177fs, F1130fs, F1049fs, F1088fs, F1089fs, F1106fs, F1109fs, F1110fs.
Identifiers: ClinVar variation 54909 (VCV000054909.8), dbSNP rs80357621, ClinGen allele CA002261.
Genomic context (GRCh38, chr17:43,091,999, plus strand): 5'-AATGTGTATGGGTGAAAGGGCTAGGACTCCTGCTAAGCTCTCCTTTCTGGACGCTTTTGC[TA>T]AAAACAGCAGAACTTTCCTTAATGTCATTTTCAGCAAAACTAGTATCTTCCTTTATTTCA-3'